The following is an entry in ClinVar:

NM_004333.6(BRAF):c.1144T>A (p.Leu382Met)

Gene: BRAF (B-Raf proto-oncogene, serine/threonine kinase; minus strand). Cytogenetic location: 7q34.
Variant type: single nucleotide variant.
Coding change: c.1144T>A on transcript NM_004333.6 (MANE Select); coding-DNA position 1144, T replaced by A.
Protein change: p.Leu382Met; replaces leucine 382 with methionine.
Molecular consequence: missense variant. On other transcripts: intron variant (1).
Genome position (GRCh38, 1-based): chr7:140,787,581, A>T on the plus strand (T>A on the coding strand, the complement: BRAF is on the minus strand). VCF-style: chr7-140787581-A-T. GRCh37 (hg19) VCF-style: chr7-140487381-A-T.
Other names: c.1144T>A, p.Leu382Met (NM_001354609.2, NM_001374244.1, NM_001374258.1 and 3 more transcripts); c.1153T>A, p.Leu385Met (NM_001378467.1); c.1042T>A, p.Leu348Met (NM_001378470.1); c.988T>A, p.Leu330Met (NM_001378472.1, NM_001378473.1); c.880T>A, p.Leu294Met (NM_001378475.1); c.1141-4498T>A (NM_001378471.1); short protein forms L382M, L294M, L330M, L348M, L385M.
Identifiers: ClinVar variation 561706 (VCV000561706.11), dbSNP rs147732750, ClinGen allele CA4516797.
Genomic context (GRCh38, chr7:140,787,581, plus strand): 5'-TTAAAAAAACCTGAAATCACTACTTACCTCCATCACCACGAAATCCTTGGTCTCTAATCA[A>T]GTCCTACAAATAAATAGTAATGTATATTTATTCCAAGCAAGCATATAATCAGAGAGTAGC-3'
Protein context (NP_004324.2, residues 372-392): NTIEPVNIDD[Leu382Met]IRDQGFRGDG

ClinVar aggregate classification (germline): Conflicting classifications of pathogenicity. Review status: criteria provided, conflicting classifications (1 of 4 stars). 3 submissions from 3 submitters: Uncertain significance (2); Likely benign (1). Last evaluated 2026-01-12.

Conditions:
RASopathy. Also called: Noonan spectrum disorder; rasopathies. Identifiers: Orphanet 536391, MedGen C5555857, MONDO:0021060.
Cardiovascular phenotype. Identifiers: MedGen CN230736.

Allele frequency attached by ClinVar (database versions not stated): ExAC 0.00001; gnomAD exomes 0.00001 and 0.00003; gnomAD 0.00002; TOPMed 0.00003; ESP Exome Variant Server 0.00008.
gnomAD v4.1: 46 of 1,611,716 alleles (0.0029%); highest among the groups gnomAD compares: Non-Finnish European, 0.0036%; no homozygotes.

Submissions (3):

Labcorp Genetics (formerly Invitae), Labcorp
Classification: Uncertain significance for RASopathy. Last evaluated: 2026-01-12. Review status: criteria provided, single submitter. Criteria: Invitae Variant Classification Sherloc (09022015). Collection method: clinical testing. Allele origin: germline.
Comment: This sequence change replaces leucine, which is neutral and non-polar, with methionine, which is neutral and non-polar, at codon 382 of the BRAF protein (p.Leu382Met). This variant is present in population databases (rs147732750, gnomAD 0.0009%). This variant has not been reported in the literature in individuals affected with BRAF-related conditions. ClinVar contains an entry for this variant (Variation ID: 561706). Invitae Evidence Modeling of protein sequence and biophysical properties (such as structural, functional, and spatial information, amino acid conservation, physicochemical variation, residue mobility, and thermodynamic stability) indicates that this missense variant is not expected to disrupt BRAF protein function with a negative predictive value of 80%. In summary, the available evidence is currently insufficient to determine the role of this variant in disease. Therefore, it has been classified as a Variant of Uncertain Significance.

Ambry Genetics
Classification: Uncertain significance for Cardiovascular phenotype. Last evaluated: 2025-07-16. Review status: criteria provided, single submitter. Criteria: Ambry Variant Classification Scheme 2023. Collection method: clinical testing. Allele origin: germline.

GeneDx
Classification: Likely benign. Last evaluated: 2021-06-03. Review status: criteria provided, single submitter. Criteria: GeneDx Variant Classification Process June 2021. Collection method: clinical testing. Allele origin: germline. Affected: yes.
Comment: In silico analysis supports that this missense variant does not alter protein structure/function; Missense variants in this gene are often considered pathogenic (Stenson et al., 2014); Has not been previously published as pathogenic or benign to our knowledge